The following is an entry in ClinVar:

NM_007214.5(SEC63):c.2072A>T (p.Asn691Ile)

Gene: SEC63 (SEC63 protein translocation regulator; minus strand). Cytogenetic location: 6q21.
Variant type: single nucleotide variant.
Coding change: c.2072A>T on transcript NM_007214.5 (MANE Select); coding-DNA position 2072, A replaced by T.
Protein change: p.Asn691Ile; replaces asparagine 691 with isoleucine.
Molecular consequence: missense variant.
Genome position (GRCh38, 1-based): chr6:107,872,875, T>A on the plus strand (A>T on the coding strand, the complement: SEC63 is on the minus strand). VCF-style: chr6-107872875-T-A. GRCh37 (hg19) VCF-style: chr6-108194079-T-A.
Other names: short protein forms N691I.
Identifiers: ClinVar variation 2967400 (VCV002967400.3), dbSNP rs1335709527, ClinGen allele CA365328598.

ClinVar aggregate classification (germline): Uncertain significance (1 of 4 stars; one submission).

Allele frequency attached by ClinVar (database versions not stated): gnomAD 0.00001; gnomAD exomes 0.00001.
gnomAD v4.1: 9 of 1,552,010 alleles (0.00058%); highest among the groups gnomAD compares: Admixed American, 0.012%; no homozygotes.

Submission:

Labcorp Genetics (formerly Invitae), Labcorp
Classification: Uncertain significance. Last evaluated: 2023-10-05. Review status: criteria provided, single submitter. Criteria: Invitae Variant Classification Sherloc (09022015). Collection method: clinical testing. Allele origin: germline.
Comment: This sequence change replaces asparagine, which is neutral and polar, with isoleucine, which is neutral and non-polar, at codon 691 of the SEC63 protein (p.Asn691Ile). The frequency data for this variant in the population databases is considered unreliable, as metrics indicate poor data quality at this position in the gnomAD database. This variant has not been reported in the literature in individuals affected with SEC63-related conditions. An algorithm developed to predict the effect of missense changes on protein structure and function (PolyPhen-2) suggests that this variant is likely to be tolerated. In summary, the available evidence is currently insufficient to determine the role of this variant in disease. Therefore, it has been classified as a Variant of Uncertain Significance.